The following is an entry in ClinVar:

NM_001005273.3(CHD3):c.4788+6T>A

Gene: CHD3 (chromodomain helicase DNA binding protein 3; plus strand). Cytogenetic location: 17p13.1.
Variant type: single nucleotide variant.
Coding change: c.4788+6T>A on transcript NM_001005273.3 (MANE Select); 6 bases into the intron after coding-DNA position 4788, T replaced by A.
Molecular consequence: intron variant.
Genome position (GRCh38, 1-based): chr17:7,907,253, T>A. VCF-style: chr17-7907253-T-A. GRCh37 (hg19) VCF-style: chr17-7810571-T-A.
Other names: c.4965+6T>A (NM_001005271.3); c.4788+6T>A (NM_005852.4).
Identifiers: ClinVar variation 1342454 (VCV001342454.1), dbSNP rs1401481408, ClinGen allele CA624867197.

ClinVar aggregate classification (germline): Uncertain significance (1 of 4 stars; one submission).

Conditions:
Snijders Blok-Campeau syndrome. Also called: INTELLECTUAL DEVELOPMENTAL DISORDER WITH MACROCEPHALY, SPEECH DELAY, AND DYSMORPHIC FACIES. Identifiers: Orphanet 599082, MedGen C4748701, MONDO:0032600, OMIM 618205.

Allele frequency attached by ClinVar (database versions not stated): gnomAD exomes below 0.00001.

Submission:

New York Genome Center
Classification: Uncertain significance for Snijders Blok-Campeau syndrome. Last evaluated: 2021-03-02. Review status: criteria provided, single submitter. Criteria: NYGC Assertion Criteria 2020. Collection method: clinical testing. Allele origin: germline. Observed: 1 heterozygote. Study: CSER-NYCKidSeq.
Comment: The c.4965+6T>A splice region variant in intron 31 of 39 of CHD3 has not been reported in affected individuals in the available literature. This variant is absent in gnomAD v3 and seen at a very low requency in gnomaAD v2 (1/251218 heterozygote, allele frequency = 0.000003981) indicating it is not a common benign variant in the populations represented in these databases. In silico predictors suggest this variant might affect splicing (TraP score: 0.909; Splice AI score: Donor Gain 0.74). Given the lack of inheritance data and functional studies supporting its pathogenicity, the c.4965+6T>A variant identified in the CHD3 gene is reported as a Variant of Uncertain Significance.